The following is an entry in ClinVar:

NM_004304.5(ALK):c.40C>G (p.Leu14Val)

Gene: ALK (ALK receptor tyrosine kinase; minus strand). Cytogenetic location: 2p23.1.
Variant type: single nucleotide variant.
Coding change: c.40C>G on transcript NM_004304.5 (MANE Select); coding-DNA position 40, C replaced by G.
Protein change: p.Leu14Val; replaces leucine 14 with valine.
Molecular consequence: missense variant.
Genome position (GRCh38, 1-based): chr2:29,920,620, G>C on the plus strand (C>G on the coding strand, the complement: ALK is on the minus strand). VCF-style: chr2-29920620-G-C. GRCh37 (hg19) VCF-style: chr2-30143486-G-C.
Other names: short protein forms L14V.
Identifiers: ClinVar variation 3285864 (VCV003285864.1).
Genomic context (GRCh38, chr2:29,920,620, plus strand): 5'-CAGCTGGGGAGCCCGCGCGCTGGCCGGTCCCCATCCCGGAGCCCACAGCTGCCGTGGAAA[G>C]CAGCAGCGGCAGGAGCCACAGGAGCCCGATGGCTCCCATCCCGCCGGAGGAGGCCGTTTA-3'
Protein context (NP_004295.2, residues 4-24): IGLLWLLPLL[Leu14Val]STAAVGSGMG

ClinVar aggregate classification (germline): Uncertain significance (1 of 4 stars; one submission).

Conditions:
Hereditary cancer-predisposing syndrome. Also called: Tumor predisposition; Hereditary Cancer Syndrome; Hereditary neoplastic syndrome; Neoplastic Syndromes, Hereditary. Identifiers: Orphanet 140162, MedGen C0027672, MeSH D009386, MONDO:0015356.

Submission:

Ambry Genetics
Classification: Uncertain significance for Hereditary cancer-predisposing syndrome. Last evaluated: 2024-04-11. Review status: criteria provided, single submitter. Criteria: Ambry Variant Classification Scheme 2023. Collection method: clinical testing. Allele origin: germline.
Comment: The p.L14V variant (also known as c.40C>G), located in coding exon 1 of the ALK gene, results from a C to G substitution at nucleotide position 40. The leucine at codon 14 is replaced by valine, an amino acid with highly similar properties. This amino acid position is conserved. In addition, this alteration is predicted to be tolerated by in silico analysis. Based on the available evidence, the clinical significance of this variant remains unclear.